The following is an entry in ClinVar:

ClinVar aggregate classification (germline): Benign/Likely benign. Review status: criteria provided, multiple submitters, no conflicts (2 of 4 stars). 3 submissions from 3 submitters: Benign (1); Likely benign (1). 1 of the submissions does not count toward it. Last evaluated 2026-05-05.

Conditions:
CCDC8-related disorder. Also called: CCDC8-related condition.

Allele frequency attached by ClinVar (database versions not stated): gnomAD exomes 0.00018 and 0.00048; ExAC 0.00052; 1000 Genomes Project 30x 0.00125; ESP Exome Variant Server 0.00177; gnomAD 0.00181 and 0.00201; 1000 Genomes Project 0.00100; TOPMed 0.00218.
gnomAD v4.1: 556 of 1,602,768 alleles (0.035%); highest among the groups gnomAD compares: African/African-American, 0.67%; 5 homozygotes.

Submissions (3):

Women's Health and Genetics/Laboratory Corporation of America, LabCorp
Classification: Likely benign. Last evaluated: 2026-05-05. Review status: criteria provided, single submitter. Criteria: LabCorp Variant Classification Summary - May 2015. Collection method: clinical testing. Allele origin: germline.
Comment: Variant summary: CCDC8 c.782C>A (p.Ser261Tyr) results in a non-conservative amino acid change in the encoded protein sequence. Algorithms developed to predict the effect of missense changes on protein structure and function are either unavailable or do not agree on the potential impact of this missense change. The variant allele was found at a frequency of 0.00048 in 241906 control chromosomes, predominantly at a frequency of 0.0068 within the African or African-American subpopulation in the gnomAD database. The observed variant frequency within African or African-American control individuals in the gnomAD database exceeds the estimated maximal expected allele frequency for disease-causing variants in CCDC8. To our knowledge, no occurrence of c.782C>A in individuals affected with CCDC8-related conditions and no experimental evidence demonstrating its impact on protein function have been reported. ClinVar contains an entry for this variant (Variation ID: 1647526). Based on the evidence outlined above, the variant was classified as likely benign.

Labcorp Genetics (formerly Invitae), Labcorp
Classification: Benign. Last evaluated: 2026-01-20. Review status: criteria provided, single submitter. Criteria: Invitae Variant Classification Sherloc (09022015). Collection method: clinical testing. Allele origin: germline.

PreventionGenetics, part of Exact Sciences
Classification: Likely benign for CCDC8-related condition. Last evaluated: 2023-07-18. Review status: no assertion criteria provided. Collection method: clinical testing. Allele origin: germline. Not counted in ClinVar's aggregate classification.
Comment: This variant is classified as likely benign based on ACMG/AMP sequence variant interpretation guidelines (Richards et al. 2015 PMID: 25741868, with internal and published modifications).

NM_032040.5(CCDC8):c.782C>A (p.Ser261Tyr)

Gene: CCDC8 (coiled-coil domain containing 8 subunit of 3M complex; minus strand). Cytogenetic location: 19q13.32.
Variant type: single nucleotide variant.
Coding change: c.782C>A on transcript NM_032040.5 (MANE Select); coding-DNA position 782, C replaced by A.
Protein change: p.Ser261Tyr; replaces serine 261 with tyrosine.
Molecular consequence: missense variant.
Genome position (GRCh38, 1-based): chr19:46,412,029, G>T on the plus strand (C>A on the coding strand, the complement: CCDC8 is on the minus strand). VCF-style: chr19-46412029-G-T. GRCh37 (hg19) VCF-style: chr19-46915286-G-T.
Other names: c.782C>A (NM_032040.4); short protein forms S261Y.
Identifiers: ClinVar variation 1647526 (VCV001647526.11), dbSNP rs143467587, ClinGen allele CA9528638.